The following is an entry in ClinVar:

ClinVar aggregate classification (germline): Likely benign. Review status: criteria provided, multiple submitters, no conflicts (2 of 4 stars). 3 submissions from 3 submitters: Likely benign (2). 1 of the submissions does not count toward it. Last evaluated 2026-01-19.

Conditions:
LIG4-related disorder. Also called: LIG4-related condition; LIG4-related disorders. Identifiers: MedGen CN239380.
DNA ligase IV deficiency. Identifiers: Orphanet 99812, MedGen C1847827, MONDO:0011686, OMIM 606593.

Allele frequency attached by ClinVar (database versions not stated): gnomAD 0.00009; ExAC 0.00010; gnomAD exomes 0.00011 and 0.00027; TOPMed 0.00012; ESP Exome Variant Server 0.00023.

Submissions (3):

Labcorp Genetics (formerly Invitae), Labcorp
Classification: Likely benign for DNA ligase IV deficiency. Last evaluated: 2026-01-19. Review status: criteria provided, single submitter. Criteria: Invitae Variant Classification Sherloc (09022015). Collection method: clinical testing. Allele origin: germline.

Blueprint Genetics
Classification: Likely benign. Last evaluated: 2024-11-14. Review status: criteria provided, single submitter. Criteria: ACMG Guidelines, 2015. Collection method: clinical testing. Allele origin: germline.

PreventionGenetics, part of Exact Sciences
Classification: Likely benign for LIG4-related condition. Last evaluated: 2019-09-23. Review status: no assertion criteria provided. Collection method: clinical testing. Allele origin: germline. Not counted in ClinVar's aggregate classification.
Comment: This variant is classified as likely benign based on ACMG/AMP sequence variant interpretation guidelines (Richards et al. 2015 PMID: 25741868, with internal and published modifications).

NM_206937.2(LIG4):c.2655G>A (p.Lys885=)

Gene: LIG4 (DNA ligase 4; minus strand). Cytogenetic location: 13q33.3.
Variant type: single nucleotide variant.
Coding change: c.2655G>A on transcript NM_206937.2 (MANE Select); coding-DNA position 2655, G replaced by A.
Protein change: p.Lys885=; no amino-acid change (lysine 885 retained).
Molecular consequence: synonymous variant.
Genome position (GRCh38, 1-based): chr13:108,208,614, C>T on the plus strand (G>A on the coding strand, the complement: LIG4 is on the minus strand). VCF-style: chr13-108208614-C-T. GRCh37 (hg19) VCF-style: chr13-108860962-C-T.
Other names: c.2655G>A, p.Lys885= (NM_001098268.2, NM_001352598.2, NM_001352599.2 and 6 more transcripts); c.2454G>A, p.Lys818= (NM_001330595.2); c.2691G>A, p.Lys897= (NM_001352604.2).
Identifiers: ClinVar variation 696647 (VCV000696647.13), dbSNP rs151271748, ClinGen allele CA7043451.
Genomic context (GRCh38, chr13:108,208,614, plus strand): 5'-TTCTTGTAATTCACACTTGTCTATTGAATCAGTTACCCAACTTTCTTTTAGGATTTTAAA[C>T]TTTCTCTTAAAAGTTCTTCTAAAAGCTTTAAAATCTGCAACACGACTATGATCTTCCCCA-3'
Protein context (NP_996820.1, residues 875-895): FKAFRRTFKR[Lys885=]FKILKESWVT